The following is an entry in ClinVar:

ClinVar aggregate classification (germline): Pathogenic. Review status: criteria provided, multiple submitters, no conflicts (2 of 4 stars). 2 submissions from 2 submitters: Pathogenic (2). Last evaluated 2022-11-06.

Conditions:
Duchenne muscular dystrophy (DMD). Also called: MUSCULAR DYSTROPHY, PSEUDOHYPERTROPHIC PROGRESSIVE, DUCHENNE TYPE; Duchenne Muscular Dystrophy (DMD). Identifiers: Orphanet 98896, MedGen C0013264, MONDO:0010679, OMIM 310200.

Submissions (2):

Labcorp Genetics (formerly Invitae), Labcorp
Classification: Pathogenic for Duchenne muscular dystrophy. Last evaluated: 2022-11-06. Review status: criteria provided, single submitter. Criteria: Invitae Variant Classification Sherloc (09022015). Collection method: clinical testing. Allele origin: germline.
Comment: For these reasons, this variant has been classified as Pathogenic. ClinVar contains an entry for this variant (Variation ID: 1322337). This premature translational stop signal has been observed in individual(s) with Duchenne muscular dystrophy (PMID: 30833962). This variant is not present in population databases (gnomAD no frequency). This sequence change creates a premature translational stop signal (p.Gln401*) in the DMD gene. It is expected to result in an absent or disrupted protein product. Loss-of-function variants in DMD are known to be pathogenic (PMID: 16770791, 25007885).

Revvity Omics, Revvity
Classification: Pathogenic. Last evaluated: 2020-05-28. Review status: criteria provided, single submitter. Criteria: ACMG Guidelines, 2015. Collection method: clinical testing. Allele origin: germline.

Literature cited by the submitters: PubMed 30833962 (cited by Labcorp Genetics (formerly Invitae), Labcorp); PubMed 16770791 (cited by Labcorp Genetics (formerly Invitae), Labcorp); PubMed 25007885 (cited by Labcorp Genetics (formerly Invitae), Labcorp).

NM_004006.3(DMD):c.1201C>T (p.Gln401Ter)

Gene: DMD (dystrophin; minus strand). Cytogenetic location: Xp21.1.
Variant type: single nucleotide variant.
Coding change: c.1201C>T on transcript NM_004006.3 (MANE Select); coding-DNA position 1201, C replaced by T.
Protein change: p.Gln401Ter; replaces glutamine 401 with a stop codon.
Molecular consequence: nonsense.
Genome position (GRCh38, 1-based): chrX:32,644,262, G>A on the plus strand (C>T on the coding strand, the complement: DMD is on the minus strand). VCF-style: chrX-32644262-G-A. GRCh37 (hg19) VCF-style: chrX-32662379-G-A.
Other names: c.1177C>T, p.Gln393Ter (NM_000109.4); c.1189C>T, p.Gln397Ter (NM_004009.3); c.832C>T, p.Gln278Ter (NM_004010.3); short protein forms Q278*, Q393*, Q397*, Q401*.
Identifiers: ClinVar variation 1322337 (VCV001322337.8), dbSNP rs2146821257, ClinGen allele CA412661296.
Genomic context (GRCh38, chrX:32,644,262, plus strand): 5'-GTACTTCAGTTTCTTCATCTTCTGATAATTTTCCTGTTCCAATCAGCTTACTTCCCAATT[G>A]TAGAATATTACCAACCCGGCCCTGATGGGCTGTCAAATCCATCATGTACCCCTGACAAAG-3'